The following is an entry in ClinVar:

NM_003664.5(AP3B1):c.3197C>T (p.Ser1066Phe)

Gene: AP3B1 (adaptor related protein complex 3 subunit beta 1; minus strand). Cytogenetic location: 5q14.1.
Variant type: single nucleotide variant.
Coding change: c.3197C>T on transcript NM_003664.5 (MANE Select); coding-DNA position 3197, C replaced by T.
Protein change: p.Ser1066Phe; replaces serine 1066 with phenylalanine.
Molecular consequence: missense variant.
Genome position (GRCh38, 1-based): chr5:78,002,990, G>A on the plus strand (C>T on the coding strand, the complement: AP3B1 is on the minus strand). VCF-style: chr5-78002990-G-A. GRCh37 (hg19) VCF-style: chr5-77298814-G-A.
Other names: c.3197C>T (NM_003664.4); c.3050C>T, p.Ser1017Phe (NM_001271769.2); short protein forms S1017F, S1066F.
Identifiers: ClinVar variation 1191413 (VCV001191413.8), dbSNP rs764100439, ClinGen allele CA3316530.
Genomic context (GRCh38, chr5:78,002,990, plus strand): 5'-TCCCGCAGCAGAACAGAGCCAATCACAGTTTTCTCAGTGTTTATGATAAGCTGGGCTGTA[G>A]AGCCTTCCTTCAGTTCCACTGTGACTAGCATCAATGACCCACTGTGCACAGTTTTAGCTG-3'
Protein context (NP_003655.3, residues 1056-1076): MLVTVELKEG[Ser1066Phe]TAQLIINTEK

ClinVar aggregate classification (germline): Conflicting classifications of pathogenicity. Review status: criteria provided, conflicting classifications (1 of 4 stars). 4 submissions from 4 submitters: Uncertain significance (3); Likely benign (1). Last evaluated 2026-01-12.

Conditions:
Hermansky-Pudlak syndrome 2 (HPS2). Also called: Platelet defects and oculocutaneous albinism. Identifiers: Orphanet 183678, Orphanet 79430, MedGen C1842362, MONDO:0011997, OMIM 608233.

Allele frequency attached by ClinVar (database versions not stated): gnomAD exomes 0.00006; ExAC 0.00007.
gnomAD v4.1: 61 of 1,614,172 alleles (0.0038%); highest among the groups gnomAD compares: East Asian, 0.12%; no homozygotes.

Submissions (4):

Labcorp Genetics (formerly Invitae), Labcorp
Classification: Uncertain significance for Hermansky-Pudlak syndrome 2. Last evaluated: 2026-01-12. Review status: criteria provided, single submitter. Criteria: Invitae Variant Classification Sherloc (09022015). Collection method: clinical testing. Allele origin: germline.
Comment: This sequence change replaces serine, which is neutral and polar, with phenylalanine, which is neutral and non-polar, at codon 1066 of the AP3B1 protein (p.Ser1066Phe). This variant is present in population databases (rs764100439, gnomAD 0.1%). This missense change has been observed in individual(s) with hemophagocytic lymphohistiocytosis (PMID: 27781387). ClinVar contains an entry for this variant (Variation ID: 1191413). An algorithm developed to predict the effect of missense changes on protein structure and function (PolyPhen-2) suggests that this variant is likely to be disruptive. In summary, the available evidence is currently insufficient to determine the role of this variant in disease. Therefore, it has been classified as a Variant of Uncertain Significance.

Women's Health and Genetics/Laboratory Corporation of America, LabCorp
Classification: Likely benign. Last evaluated: 2023-05-11. Review status: criteria provided, single submitter. Criteria: LabCorp Variant Classification Summary - May 2015. Collection method: clinical testing. Allele origin: germline.
Comment: Variant summary: AP3B1 c.3197C>T (p.Ser1066Phe) results in a non-conservative amino acid change located in the Beta-adaptin appendage, C-terminal subdomain (IPR015151) of the encoded protein sequence. Three of five in-silico tools predict a damaging effect of the variant on protein function. The variant allele was found at a frequency of 6e-05 in 251418 control chromosomes, predominantly at a frequency of 0.00082 within the East Asian subpopulation in the gnomAD database. The observed variant frequency within East Asian control individuals in the gnomAD database is approximately 2 fold of the estimated maximal expected allele frequency for a pathogenic variant in AP3B1 causing Hermansky-Pudlak Syndrome phenotype (0.0005), strongly suggesting that the variant is a benign polymorphism found primarily in populations of East Asian origin. c.3197C>T has been reported in the literature in individuals affected with Hemophagocytic lymphohistiocytosis (Xiao-Jun_2017). This report does not provide unequivocal conclusions about association of the variant with Hermansky-Pudlak Syndrome. To our knowledge, no experimental evidence demonstrating an impact on protein function has been reported. The following publication have been ascertained in the context of this evaluation (PMID: 27781387). Two clinical diagnostic laboratories have submitted clinical-significance assessments for this variant to ClinVar after 2014 and all laboratories classified the variant as uncertain significance. Based on the evidence outlined above, the variant was classified as likely benign.

Blueprint Genetics
Classification: Uncertain significance. Last evaluated: 2022-12-27. Review status: criteria provided, single submitter. Criteria: ACMG Guidelines, 2015. Collection method: clinical testing. Allele origin: germline.

GeneDx
Classification: Uncertain significance. Last evaluated: 2020-03-12. Review status: criteria provided, single submitter. Criteria: GeneDx Variant Classification Process June 2021. Collection method: clinical testing. Allele origin: germline. Affected: yes.
Comment: In silico analysis supports that this missense variant has a deleterious effect on protein structure/function; Observed in a patient with pediatric hemophagocytic lymphohistiocytosis (Xu et al., 2017); This variant is associated with the following publications: (PMID: 27781387)

Literature cited by the submitters: PubMed 27781387 (cited by Labcorp Genetics (formerly Invitae), Labcorp and Women's Health and Genetics/Laboratory Corporation of America, LabCorp).